The following is an entry in ClinVar:

ClinVar aggregate classification (germline): Conflicting classifications of pathogenicity. Review status: criteria provided, conflicting classifications (1 of 4 stars). 3 submissions from 3 submitters: Uncertain significance (2); Likely benign (1). Last evaluated 2024-01-27.

Conditions:
Hereditary nonpolyposis colorectal neoplasms. Identifiers: MedGen C0009405, MeSH D003123.
Hereditary cancer-predisposing syndrome. Also called: Neoplastic Syndromes, Hereditary; Hereditary Cancer Syndrome; Tumor predisposition; Hereditary neoplastic syndrome. Identifiers: Orphanet 140162, MedGen C0027672, MeSH D009386, MONDO:0015356.

gnomAD v4.1: 1 of 1,614,174 alleles (0.000062%); highest among the groups gnomAD compares: Non-Finnish European, 0.000085%; no homozygotes.

Submissions (3):

Ambry Genetics
Classification: Uncertain significance for Hereditary cancer-predisposing syndrome. Last evaluated: 2024-01-27. Review status: criteria provided, single submitter. Criteria: Ambry Variant Classification Scheme 2023. Collection method: clinical testing. Allele origin: germline.
Comment: The p.E376A variant (also known as c.1127A>C), located in coding exon 4 of the MSH6 gene, results from an A to C substitution at nucleotide position 1127. The glutamic acid at codon 376 is replaced by alanine, an amino acid with dissimilar properties. This amino acid position is conserved. In addition, this alteration is predicted to be tolerated by in silico analysis. Based on the available evidence, the clinical significance of this alteration remains unclear.

Labcorp Genetics (formerly Invitae), Labcorp
Classification: Likely benign for Hereditary nonpolyposis colorectal neoplasms. Last evaluated: 2023-08-04. Review status: criteria provided, single submitter. Criteria: Invitae Variant Classification Sherloc (09022015). Collection method: clinical testing. Allele origin: germline.

Sema4
Classification: Uncertain significance for Hereditary cancer-predisposing syndrome. Last evaluated: 2021-04-23. Review status: criteria provided, single submitter. Criteria: Sema4 Curation Guidelines. Collection method: curation. Allele origin: germline.
Comment: To the best of our knowledge, the MSH6 c.1127A>C (p.E376A) variant has not been reported in individuals with MSH6-related disease. It was observed in 2/250962 chromosomes in the large and broad cohorts of the Genome Aggregation Database (PMID: 32461654). The variant has been reported in ClinVar (Variation ID: 851822). In silico tools suggest the impact of the variant on protein function is inconclusive, though these predictions have not been confirmed by functional studies. The evidence is insufficient to meet ACMG/AMP criteria for classifying the variant as benign or pathogenic. Thus, the clinical significance of this variant is currently uncertain.

NM_000179.3(MSH6):c.1127A>C (p.Glu376Ala)

Gene: MSH6 (mutS homolog 6; plus strand). Cytogenetic location: 2p16.3.
Variant type: single nucleotide variant.
Coding change: c.1127A>C on transcript NM_000179.3 (MANE Select); coding-DNA position 1127, A replaced by C.
Protein change: p.Glu376Ala; replaces glutamic acid 376 with alanine.
Molecular consequence: missense variant.
Genome position (GRCh38, 1-based): chr2:47,799,110, A>C. VCF-style: chr2-47799110-A-C. GRCh37 (hg19) VCF-style: chr2-48026249-A-C.
Other names: c.737A>C, p.Glu246Ala (NM_001281492.2); c.221A>C, p.Glu74Ala (NM_001281493.2, NM_001281494.2); short protein forms E74A, E246A, E376A.
Identifiers: ClinVar variation 851822 (VCV000851822.9), dbSNP rs764150912, ClinGen allele CA067170.